The following is an entry in ClinVar:

ClinVar aggregate classification (germline): Uncertain significance (1 of 4 stars; one submission).

Conditions:
Inborn genetic diseases. Identifiers: MedGen C0950123, MeSH D030342.

Submission:

Ambry Genetics
Classification: Uncertain significance for Inborn genetic diseases. Last evaluated: 2025-02-14. Review status: criteria provided, single submitter. Criteria: Ambry Variant Classification Scheme 2023. Collection method: clinical testing. Allele origin: germline.
Comment: The p.E40G variant (also known as c.119A>G), located in coding exon 2 of the AKT1 gene, results from an A to G substitution at nucleotide position 119. The glutamic acid at codon 40 is replaced by glycine, an amino acid with similar properties. This amino acid position is conserved. In addition, the in silico prediction for this alteration is inconclusive. Based on the available evidence, the clinical significance of this variant remains unclear.

NM_001382430.1(AKT1):c.119A>G (p.Glu40Gly)

Gene: AKT1 (AKT serine/threonine kinase 1; minus strand). Cytogenetic location: 14q32.33.
Variant type: single nucleotide variant.
Coding change: c.119A>G on transcript NM_001382430.1 (MANE Select); coding-DNA position 119, A replaced by G.
Protein change: p.Glu40Gly; replaces glutamic acid 40 with glycine.
Molecular consequence: missense variant.
Genome position (GRCh38, 1-based): chr14:104,780,144, T>C on the plus strand (A>G on the coding strand, the complement: AKT1 is on the minus strand). VCF-style: chr14-104780144-T-C. GRCh37 (hg19) VCF-style: chr14-105246481-T-C.
Other names: c.119A>G, p.Glu40Gly (NM_001014431.2, NM_001014432.2, NM_001382431.1 and 3 more transcripts); short protein forms E40G.
Identifiers: ClinVar variation 3850782 (VCV003850782.1).